The following is an entry in ClinVar:

NM_144670.6(A2ML1):c.1405G>C (p.Glu469Gln)

Gene: A2ML1 (alpha-2-macroglobulin like 1; plus strand). Cytogenetic location: 12p13.31.
Variant type: single nucleotide variant.
Coding change: c.1405G>C on transcript NM_144670.6 (MANE Select); coding-DNA position 1405, G replaced by C.
Protein change: p.Glu469Gln; replaces glutamic acid 469 with glutamine.
Molecular consequence: missense variant.
Genome position (GRCh38, 1-based): chr12:8,843,290, G>C. VCF-style: chr12-8843290-G-C. GRCh37 (hg19) VCF-style: chr12-8995886-G-C.
Other names: short protein forms E469Q.
Identifiers: ClinVar variation 1443532 (VCV001443532.8), dbSNP rs747823521, ClinGen allele CA6435643.

ClinVar aggregate classification (germline): Uncertain significance (1 of 4 stars; one submission).

Allele frequency attached by ClinVar (database versions not stated): gnomAD exomes below 0.00001 and 0.00001; ExAC 0.00001.
gnomAD v4.1: 2 of 1,614,150 alleles (0.00012%); highest among the groups gnomAD compares: East Asian, 0.0045%; no homozygotes.

Submission:

Labcorp Genetics (formerly Invitae), Labcorp
Classification: Uncertain significance. Last evaluated: 2021-05-10. Review status: criteria provided, single submitter. Criteria: Invitae Variant Classification Sherloc (09022015). Collection method: clinical testing. Allele origin: germline.
Comment: In summary, the available evidence is currently insufficient to determine the role of this variant in disease. Therefore, it has been classified as a Variant of Uncertain Significance. Algorithms developed to predict the effect of missense changes on protein structure and function (SIFT, PolyPhen-2, Align-GVGD) all suggest that this variant is likely to be tolerated, but these predictions have not been confirmed by published functional studies and their clinical significance is uncertain. This variant has not been reported in the literature in individuals with A2ML1-related conditions. This variant is present in population databases (rs747823521, ExAC 0.01%). This sequence change replaces glutamic acid with glutamine at codon 469 of the A2ML1 protein (p.Glu469Gln). The glutamic acid residue is moderately conserved and there is a small physicochemical difference between glutamic acid and glutamine.